The following is an entry in ClinVar:

ClinVar aggregate classification (germline): Pathogenic/Likely pathogenic. Review status: criteria provided, multiple submitters, no conflicts (2 of 4 stars). 2 submissions from 2 submitters: Pathogenic (1); Likely pathogenic (1). Last evaluated 2025-04-01.

Conditions:
Microcephaly 18, primary, autosomal dominant (MCPH18). Identifiers: MedGen C4479608, MONDO:0054593, OMIM 617520.

Submissions (2):

GeneDx
Classification: Pathogenic. Last evaluated: 2025-04-01. Review status: criteria provided, single submitter. Criteria: GeneDx Variant Classification Process June 2021. Collection method: clinical testing. Allele origin: germline.
Comment: Reported previously as a paternally inherited variant in an individual from a cohort of patients with autism (PMID: 31398340); Nonsense variant predicted to result in protein truncation or nonsense mediated decay in a gene for which loss of function is a known mechanism of disease; Not observed at significant frequency in large population cohorts (gnomAD); This variant is associated with the following publications: (PMID: 31398340, 37506195, 34312540)

Greenwood Genetic Center Diagnostic Laboratories, Greenwood Genetic Center
Classification: Likely pathogenic for Microcephaly 18, primary, autosomal dominant. Last evaluated: 2021-10-14. Review status: criteria provided, single submitter. Criteria: ACMG Guidelines, 2015. Collection method: clinical testing. Allele origin: germline. Affected: yes.
Comment: PVS1, PM2

NM_014991.6(WDFY3):c.9496C>T (p.Arg3166Ter)

Gene: WDFY3 (WD repeat and FYVE domain containing 3; minus strand). Cytogenetic location: 4q21.23.
Variant type: single nucleotide variant.
Coding change: c.9496C>T on transcript NM_014991.6 (MANE Select); coding-DNA position 9496, C replaced by T.
Protein change: p.Arg3166Ter; replaces arginine 3166 with a stop codon.
Molecular consequence: nonsense.
Genome position (GRCh38, 1-based): chr4:84,688,133, G>A on the plus strand (C>T on the coding strand, the complement: WDFY3 is on the minus strand). VCF-style: chr4-84688133-G-A. GRCh37 (hg19) VCF-style: chr4-85609286-G-A.
Other names: c.9496C>T (NM_014991.4); short protein forms R3166*.
Identifiers: ClinVar variation 1334627 (VCV001334627.6), dbSNP rs866536893, ClinGen allele CA100722714.